The following is an entry in ClinVar:

NM_001366028.2(DNAH12):c.2173C>T (p.Arg725Ter)

Gene: DNAH12 (dynein axonemal heavy chain 12; minus strand). Cytogenetic location: 3p14.3.
Variant type: single nucleotide variant.
Coding change: c.2173C>T on transcript NM_001366028.2 (MANE Select); coding-DNA position 2173, C replaced by T.
Protein change: p.Arg725Ter; replaces arginine 725 with a stop codon.
Molecular consequence: nonsense.
Genome position (GRCh38, 1-based): chr3:57,468,912, G>A on the plus strand (C>T on the coding strand, the complement: DNAH12 is on the minus strand). VCF-style: chr3-57468912-G-A. GRCh37 (hg19) VCF-style: chr3-57454639-G-A.
Other names: short protein forms R725*.
Identifiers: ClinVar variation 5019178 (VCV005019178.2).

ClinVar aggregate classification (germline): Likely pathogenic (1 of 4 stars; one submission).

Conditions:
Spermatogenic failure 100. Identifiers: MedGen C6012726, MONDO:0978302, OMIM 621209.

gnomAD v4.1: 23 of 1,522,334 alleles (0.0015%); highest among the groups gnomAD compares: East Asian, 0.005%; no homozygotes.

Submission:

Juno Genomics, Hangzhou Juno Genomics, Inc
Classification: Likely pathogenic for Spermatogenic failure 100. Review status: criteria provided, single submitter. Criteria: ACMG Guidelines, 2015. Collection method: clinical testing. Allele origin: germline.
Comment: Absent from controls (or at extremely low frequency if recessive) in Genome Aggregation Database.;Null variant in a gene where loss of function (LOF) is a known mechanism of disease.